The following is an entry in ClinVar:

ClinVar aggregate classification (germline): Uncertain significance. Review status: criteria provided, multiple submitters, no conflicts (2 of 4 stars). 2 submissions from 2 submitters: Uncertain significance (2). Last evaluated 2024-03-25.

Conditions:
Sandhoff disease. Also called: Beta-hexosaminidase-beta-subunit deficiency; GM2 gangliosidosis, type 2; Total hexosaminidase deficiency; Sandhoff-Jatzkewitz-Pilz disease; GM2-GANGLIOSIDOSIS, TYPE II; HEXOSAMINIDASES A AND B DEFICIENCY. Identifiers: Orphanet 796, MedGen C0036161, MONDO:0010006, OMIM 268800.

Allele frequency attached by ClinVar (database versions not stated): gnomAD exomes below 0.00001.
gnomAD v4.1: 4 of 1,614,122 alleles (0.00025%); highest among the groups gnomAD compares: Non-Finnish European, 0.00034%; no homozygotes.

Submissions (2):

Genomic Medicine Center of Excellence, King Faisal Specialist Hospital and Research Centre
Classification: Uncertain significance for Sandhoff disease. Last evaluated: 2024-03-25. Review status: criteria provided, single submitter. Criteria: ACMG Guidelines, 2015. Collection method: research. Allele origin: germline.

Baylor Genetics
Classification: Uncertain significance for Sandhoff disease. Last evaluated: 2020-07-08. Review status: criteria provided, single submitter. Criteria: ACMG Guidelines, 2015. Collection method: clinical testing. Allele origin: unknown. Affected: yes.
Comment: This variant was determined to be of uncertain significance according to ACMG Guidelines, 2015 [PMID:25741868].

NM_000521.4(HEXB):c.1542G>C (p.Trp514Cys)

Gene: HEXB (hexosaminidase subunit beta; plus strand). Cytogenetic location: 5q13.3.
Variant type: single nucleotide variant.
Coding change: c.1542G>C on transcript NM_000521.4 (MANE Select); coding-DNA position 1542, G replaced by C.
Protein change: p.Trp514Cys; replaces tryptophan 514 with cysteine.
Molecular consequence: missense variant.
Genome position (GRCh38, 1-based): chr5:74,720,676, G>C. VCF-style: chr5-74720676-G-C. GRCh37 (hg19) VCF-style: chr5-74016501-G-C.
Other names: c.867G>C, p.Trp289Cys (NM_001292004.2); short protein forms W514C, W289C.
Identifiers: ClinVar variation 1028315 (VCV001028315.3), dbSNP rs1417317737, ClinGen allele CA360071156.